The following is an entry in ClinVar:

NM_001692.4(ATP6V1B1):c.1012C>T (p.Arg338Trp)

Gene: ATP6V1B1 (ATPase H+ transporting V1 subunit B1; plus strand). Cytogenetic location: 2p13.3.
Variant type: single nucleotide variant.
Coding change: c.1012C>T on transcript NM_001692.4 (MANE Select); coding-DNA position 1012, C replaced by T.
Protein change: p.Arg338Trp; replaces arginine 338 with tryptophan.
Molecular consequence: missense variant.
Genome position (GRCh38, 1-based): chr2:70,963,264, C>T. VCF-style: chr2-70963264-C-T. GRCh37 (hg19) VCF-style: chr2-71190394-C-T.
Other names: short protein forms R338W.
Identifiers: ClinVar variation 3458882 (VCV003458882.9).

ClinVar aggregate classification (germline): Uncertain significance. Review status: criteria provided, multiple submitters, no conflicts (2 of 4 stars). 2 submissions from 2 submitters: Uncertain significance (2). Last evaluated 2025-07-01.

Conditions:
Inborn genetic diseases. Identifiers: MedGen C0950123, MeSH D030342.

gnomAD v4.1: 12 of 1,613,594 alleles (0.00074%); highest among the groups gnomAD compares: Middle Eastern, 0.016%; no homozygotes.

Submissions (2):

CeGaT Center for Human Genetics Tuebingen
Classification: Uncertain significance. Last evaluated: 2025-07-01. Review status: criteria provided, single submitter. Criteria: CeGaT Center For Human Genetics Tuebingen Variant Classification Criteria Version 2. Collection method: clinical testing. Allele origin: germline. Affected: yes. Observed: 1 variant allele.
Comment: ATP6V1B1: PM2, PP3

Ambry Genetics
Classification: Uncertain significance for Inborn genetic diseases. Last evaluated: 2024-12-10. Review status: criteria provided, single submitter. Criteria: Ambry Variant Classification Scheme 2023. Collection method: clinical testing. Allele origin: germline.